The following is an entry in ClinVar:

ClinVar aggregate classification (germline): Likely benign (0 of 4 stars; one submission).

Conditions:
WDR4-related disorder. Also called: WDR4-Related Disorders; WDR4-related condition.

Submission:

PreventionGenetics, part of Exact Sciences
Classification: Likely benign for WDR4-related condition. Last evaluated: 2023-08-18. Review status: no assertion criteria provided. Collection method: clinical testing. Allele origin: germline.
Comment: This variant is classified as likely benign based on ACMG/AMP sequence variant interpretation guidelines (Richards et al. 2015 PMID: 25741868, with internal and published modifications).

NM_018669.6(WDR4):c.1107C>A (p.Thr369=)

Gene: WDR4 (WDR4 tRNA N7-guanosine methyltransferase non-catalytic subunit; minus strand). Cytogenetic location: 21q22.3.
Variant type: single nucleotide variant.
Coding change: c.1107C>A on transcript NM_018669.6 (MANE Select); coding-DNA position 1107, C replaced by A.
Protein change: p.Thr369=; no amino-acid change (threonine 369 retained).
Molecular consequence: synonymous variant. On other transcripts: non-coding transcript variant (1).
Genome position (GRCh38, 1-based): chr21:42,850,181, G>T on the plus strand (C>A on the coding strand, the complement: WDR4 is on the minus strand). VCF-style: chr21-42850181-G-T. GRCh37 (hg19) VCF-style: chr21-44270291-G-T.
Other names: c.1104C>A, p.Thr368= (NM_001260474.2); c.669C>A, p.Thr223= (NM_001260475.2, NM_001260476.2, NM_001260477.2 and 1 more transcripts); c.1107C>A, p.Thr369= (NM_033661.5).
Identifiers: ClinVar variation 3044986 (VCV003044986.2), dbSNP rs2057786523, ClinGen allele CA512456395.